The following is an entry in ClinVar:

ClinVar aggregate classification (germline): Uncertain significance (1 of 4 stars; one submission).

Allele frequency attached by ClinVar (database versions not stated): TOPMed below 0.00001; ExAC 0.00001; gnomAD exomes 0.00001.

Submission:

Labcorp Genetics (formerly Invitae), Labcorp
Classification: Uncertain significance. Last evaluated: 2022-08-29. Review status: criteria provided, single submitter. Criteria: Invitae Variant Classification Sherloc (09022015). Collection method: clinical testing. Allele origin: germline.
Comment: This sequence change replaces methionine, which is neutral and non-polar, with threonine, which is neutral and polar, at codon 1432 of the SPTBN2 protein (p.Met1432Thr). This variant is present in population databases (rs769357234, gnomAD 0.002%). This variant has not been reported in the literature in individuals affected with SPTBN2-related conditions. Advanced modeling of protein sequence and biophysical properties (such as structural, functional, and spatial information, amino acid conservation, physicochemical variation, residue mobility, and thermodynamic stability) performed at Invitae indicates that this missense variant is not expected to disrupt SPTBN2 protein function. In summary, the available evidence is currently insufficient to determine the role of this variant in disease. Therefore, it has been classified as a Variant of Uncertain Significance.

NM_006946.4(SPTBN2):c.4295T>C (p.Met1432Thr)

Gene: SPTBN2 (spectrin beta, non-erythrocytic 2; minus strand). Cytogenetic location: 11q13.2.
Variant type: single nucleotide variant.
Coding change: c.4295T>C on transcript NM_006946.4 (MANE Select); coding-DNA position 4295, T replaced by C.
Protein change: p.Met1432Thr; replaces methionine 1432 with threonine.
Molecular consequence: missense variant.
Genome position (GRCh38, 1-based): chr11:66,694,347, A>G on the plus strand (T>C on the coding strand, the complement: SPTBN2 is on the minus strand). VCF-style: chr11-66694347-A-G. GRCh37 (hg19) VCF-style: chr11-66461818-A-G.
Other names: c.4316T>C, p.Met1439Thr (NM_001411025.1); short protein forms M1439T, M1432T.
Identifiers: ClinVar variation 1936056 (VCV001936056.5), dbSNP rs769357234, ClinGen allele CA6128618.
Genomic context (GRCh38, chr11:66,694,347, plus strand): 5'-TCCTGGGCCAGTGCTTTGGCCTGGGCCTGGATTGCCTCCACCTCCTTCTCTCTCACAGCC[A>G]TCTCCCATTCCAGCATCTGCAAACCGCCAGGAGGAAGGACATGTTAGCTCTGCATTTCCG-3'
Protein context (NP_008877.2, residues 1422-1442): LKKQQMLEWE[Met1432Thr]AVREKEVEAI